The following is an entry in ClinVar:

ClinVar aggregate classification (germline): Likely benign (1 of 4 stars; one submission).

Submission:

CeGaT Center for Human Genetics Tuebingen
Classification: Likely benign. Last evaluated: 2026-08-01. Review status: criteria provided, single submitter. Criteria: CeGaT Center For Human Genetics Tuebingen Variant Classification Criteria Version 2. Collection method: clinical testing. Allele origin: germline. Affected: yes. Observed: 1 variant allele.
Comment: CTBP1: PM2:Supporting, BP4, BP7

NM_001012614.2(CTBP1):c.162+186G>A

Gene: CTBP1 (C-terminal binding protein 1; minus strand). Cytogenetic location: 4p16.3.
Variant type: single nucleotide variant.
Coding change: c.162+186G>A on transcript NM_001012614.2 (MANE Select); 186 bases into the intron after coding-DNA position 162, G replaced by A.
Molecular consequence: intron variant.
Genome position (GRCh38, 1-based): chr4:1,237,997, C>T on the plus strand (G>A on the coding strand, the complement: CTBP1 is on the minus strand). VCF-style: chr4-1237997-C-T. GRCh37 (hg19) VCF-style: chr4-1231785-C-T.
Other names: c.162+186G>A (NM_001377192.1, NM_001377189.1, NM_001377193.1 and 4 more transcripts); c.195+186G>A (NM_001328.3, NM_001377186.1).
Identifiers: ClinVar variation 5040279 (VCV005040279.1).
Genomic context (GRCh38, chr4:1,237,997, plus strand): 5'-TGGGGCACAGGGAAAACCCCGTGTCCACCTCCTGATGGGGCTCAGGGCAAACCCGATGTC[C>T]ACCTCCTGATGGTGTCCAGGGAAAACCCCGTGTCCACCTCCTGACGGCGCGGGACGACTG-3'